The following continues an entry in ClinVar:

NM_001005242.3(PKP2):c.148_151del (p.Thr50fs)

Gene: PKP2. ClinVar aggregate classification (germline): Pathogenic. Pathogenic (29).

Submissions 20 to 31 of 31:

Department of Pathology and Laboratory Medicine, Sinai Health System
Classification: Pathogenic for Arrhythmogenic right ventricular dysplasia 9. Last evaluated: 2023-03-27. Review status: criteria provided, single submitter. Criteria: ACMG Guidelines, 2015. Collection method: research. Allele origin: germline.

New York Genome Center
Classification: Pathogenic for Arrhythmogenic right ventricular dysplasia 9. Last evaluated: 2022-03-15. Review status: criteria provided, single submitter. Criteria: NYGC Assertion Criteria 2020. Collection method: clinical testing. Allele origin: germline. Affected: yes. Observed: 1 heterozygote.
Comment: The c.148_151del variant identified in PKP2 has previously been reported in multiple individuals with ARVC/D [PMID: 15489853, 33232181, 33087929,32183154, 16415378, 16567567, 17010805, 19302745, 20400443, 23347029], and it has been deposited in ClinVar as Pathogenic by multiple submitters [ClinVar ID:45028]. The c.148_151del variant has been observed in 7 alleles with no homozygotes in the population databases (gnomAD v2.1.1 and v3.1.2, TOPMed Freeze 8), suggesting it is not a common benign variant in the populations represented in those databases. The c.148_151del variant is located in the first exon of this 14-exongene and predicted to cause a frameshift in the open reading frame (p.(Thr50fs)). Functional studies have demonstrated that this variant results in reduced PKP2mRNA and protein levels [PMID: 24200905]. There are also multiple upstream loss-of-function variants reported in the literature in individuals with ARVC/D [PMID:28349240]. Based on available evidence this c.148_151del (p.(Thr50fs)) variant identified in PKP2 is classified as Pathogenic.

GeneDx
Classification: Pathogenic. Last evaluated: 2022-01-17. Review status: criteria provided, single submitter. Criteria: GeneDx Variant Classification Process June 2021. Collection method: clinical testing. Allele origin: germline. Affected: yes.
Comment: Reported in numerous probands with ARVC and found to segregate with disease with multiple relatives from several families (Gerull et al., 2004; Dalal et al., 2006; van Tintelen et al., 2006; Bauce et al., 2010; Fressart et al., 2010; Xu et al., 2010; Cox et al., 2011; Baskin et al., 2013; Caspi et al., 2013; Philips et al., 2014; Walsh et al., 2017; Asatryan et al., 2019; Hermida et al., 2019); Not observed at significant frequency in large population cohorts (gnomAD); Frameshift variant predicted to result in protein truncation or nonsense mediated decay in a gene for which loss-of-function is a known mechanism of disease; Functional studies have demonstrated that this variant results in reduced PKP2 mRNA and protein levels (Caspi et al., 2013); Reported in ClinVar as pathogenic (ClinVar Variant ID# 45028; ClinVar); This variant is associated with the following publications: (PMID: 23810883, 32183154, 20031616, 20400443, 30975432, 24585727, 20129281, 21606396, 23347029, 17010805, 15489853, 20152563, 16567567, 23812740, 21606390, 27532257, 30161220, 19302745, 16549640, 16415378, 29606362, 30790397, 31514951, 31447099, 25825460, 32372669, 31386562, 31402444, 33232181, 32600061, 33087929, 24200905, 30847666)

AiLife Diagnostics
Classification: Pathogenic. Last evaluated: 2021-09-17. Review status: criteria provided, single submitter. Criteria: ACMG Guidelines, 2015. Collection method: clinical testing. Allele origin: germline. Affected: yes. Observed: 1 variant allele.

Women's Health and Genetics/Laboratory Corporation of America, LabCorp
Classification: Pathogenic for Familial isolated arrhythmogenic right ventricular dysplasia. Last evaluated: 2021-02-22. Review status: criteria provided, single submitter. Criteria: LabCorp Variant Classification Summary - May 2015. Collection method: clinical testing. Allele origin: germline.
Comment: Variant summary: PKP2 c.148_151delACAG (p.Thr50SerfsX61) results in a premature termination codon, predicted to cause a truncation of the encoded protein or absence of the protein due to nonsense mediated decay, which are commonly known mechanisms for disease. Truncations downstream of this position have been classified as pathogenic by our laboratory. The variant was absent in 212256 control chromosomes. c.148_151delACAG has been reported in the literature in multiple individuals affected with Arrhythmogenic Right Ventricular Dysplasia/Cardiomyopathy (e.g. Te Riele_2017). These data indicate that the variant is very likely to be associated with disease. Seven clinical diagnostic laboratories have submitted clinical-significance assessments for this variant to ClinVar after 2014 without evidence for independent evaluation. All laboratories classified the variant as pathogenic. Based on the evidence outlined above, the variant was classified as pathogenic.

Centre for Mendelian Genomics, University Medical Centre Ljubljana
Classification: Pathogenic for Arrhythmogenic right ventricular dysplasia 9. Last evaluated: 2019-01-04. Review status: criteria provided, single submitter. Criteria: ACMG Guidelines, 2015. Collection method: clinical testing. Allele origin: unknown. Affected: yes.
Comment: This variant was classified as: Pathogenic. The following ACMG criteria were applied in classifying this variant: PVS1,PS1,PM2,PP4.

Human Genome Sequencing Center Clinical Lab, Baylor College of Medicine
Classification: Pathogenic for Arrhythmogenic right ventricular dysplasia, type 9. Last evaluated: 2018-09-27. Review status: criteria provided, single submitter. Criteria: ACMG Guidelines, 2015. Collection method: clinical testing. Allele origin: germline.
Comment: The c.148_151delACAG (p.Thr50Serfs*61) variant in the PKP2 gene is predicted to introduce a premature translational termination codon. It has been reported in multiple unrelated patients and families with arrhythmogenic right ventricular cardiomyopathy (ARVC) [PMID: 15489853, 16567567, 17010805, 20129281, 20400443]. This c.148_151delACAG (p.Thr50Serfs*61) variant in the PKP2 gene is therefore classified as pathogenic.

Juno Genomics, Hangzhou Juno Genomics, Inc
Classification: Pathogenic for Arrhythmogenic right ventricular dysplasia 9. Review status: criteria provided, single submitter. Criteria: ACMG Guidelines, 2015. Collection method: clinical testing. Allele origin: germline.
Comment: Absent from controls (or at extremely low frequency if recessive) in Genome Aggregation Database.;Null variant in a gene where loss of function (LOF) is a known mechanism of disease.;The prevalence of the variant in affected individuals is significantly increased compared to the prevalence in controls.;Patient's phenotype or family history is highly specific for a disease with a single genetic etiology.

Lifecell International Pvt. Ltd
Classification: Pathogenic for Arrhythmogenic right ventricular dysplasia 9. Review status: criteria provided, single submitter. Criteria: ACMG Guidelines, 2015. Collection method: clinical testing. Allele origin: germline. Inheritance: Autosomal dominant inheritance. Affected: yes. Observed: 1 compound heterozygote.
Comment: A Heterozygous Frameshift variant c.148_151delACAG in Exon 1 of the PKP2 gene that results in the amino acid substitution p.Thr50fs*61 was identified. The observed variant is novel in gnomAD exomes and genomes, respectively. The reference base is not conserved across the species and in-silico predictions by Polyphen, SIFT are tolerated. The severity of the impact of this variant on the protein is high, based on the effect of the protein and REVEL score. Rare Exome Variant Ensemble Learner (REVEL) is an ensembl method for predicting the pathogenicity of missense variants based on a combination of scores from 13 individual tools: MutPred, FATHMM v2.3, VEST 3.0, PolyPhen-2, SIFT, PROVEAN, MutationAssessor, MutationTaster, LRT, GERP++, SiPhy, phyloP, and phastCons. The REVEL score for an individual missense variant can range from 0 to 1, with higher scores reflecting greater likelihood that the variant is disease-causing. ClinVar has also classified this variant as Pathogenic [Variant ID : 45028]. The observed variation has previously been reported for arrhythmogenic right ventricular cardiomyopathy by Costa, Sarah, et al., 2021. For these reasons this variant has been classified as Pathogenic.

Molecular Diagnostic Laboratory for Inherited Cardiovascular Disease, Montreal Heart Institute
Classification: Pathogenic. Review status: criteria provided, single submitter. Criteria: ACMG Guidelines, 2015. Collection method: clinical testing. Allele origin: germline. Affected: yes.

Clinical Genetics, Academic Medical Center
Classification: Pathogenic. Review status: no assertion criteria provided. Collection method: clinical testing. Allele origin: germline. Affected: yes. Study: VKGL Data-share Consensus. Not counted in ClinVar's aggregate classification.

Joint Genome Diagnostic Labs from Nijmegen and Maastricht, Radboudumc and MUMC+
Classification: Pathogenic. Review status: no assertion criteria provided. Collection method: clinical testing. Allele origin: germline. Affected: yes. Study: VKGL Data-share Consensus. Not counted in ClinVar's aggregate classification.

Literature cited by the submitters: PubMed 15489853 (cited by 9 submitters); PubMed 17041889 (cited by Labcorp Genetics (formerly Invitae), Labcorp); PubMed 23911551 (cited by Labcorp Genetics (formerly Invitae), Labcorp and All of Us Research Program, National Institutes of Health); PubMed 16415378 (cited by 5 submitters); PubMed 16567567 (cited by 6 submitters); PubMed 17010805 (cited by 10 submitters); PubMed 19302745 (cited by 5 submitters); PubMed 20400443 (cited by 8 submitters); PubMed 23347029 (cited by 6 submitters); PubMed 24200905 (cited by 7 submitters); PubMed 29038103 (cited by Variantyx, Inc. and All of Us Research Program, National Institutes of Health); PubMed 20129281 (cited by 7 submitters); PubMed 20301310 (cited by Rady Children's Institute for Genomic Medicine, Rady Children's Hospital San Diego); PubMed 16549640 (cited by Rady Children's Institute for Genomic Medicine, Rady Children's Hospital San Diego and Laboratory for Molecular Medicine, Mass General Brigham Personalized Medicine); PubMed 20031616 (cited by Rady Children's Institute for Genomic Medicine, Rady Children's Hospital San Diego and Laboratory for Molecular Medicine, Mass General Brigham Personalized Medicine); PubMed 20152563 (cited by Rady Children's Institute for Genomic Medicine, Rady Children's Hospital San Diego and Laboratory for Molecular Medicine, Mass General Brigham Personalized Medicine); PubMed 21606396 (cited by Rady Children's Institute for Genomic Medicine, Rady Children's Hospital San Diego and Laboratory for Molecular Medicine, Mass General Brigham Personalized Medicine); PubMed 32372669 (cited by Rady Children's Institute for Genomic Medicine, Rady Children's Hospital San Diego and AiLife Diagnostics); PubMed 35653365 (cited by Rady Children's Institute for Genomic Medicine, Rady Children's Hospital San Diego and Mayo Clinic Laboratories, Mayo Clinic); PubMed 20031617 (cited by All of Us Research Program, National Institutes of Health); PubMed 23671136 (cited by All of Us Research Program, National Institutes of Health); PubMed 24704780 (cited by All of Us Research Program, National Institutes of Health); PubMed 27532257 (cited by 5 submitters); PubMed 28069705 (cited by All of Us Research Program, National Institutes of Health and Women's Health and Genetics/Laboratory Corporation of America, LabCorp); PubMed 34120153 (cited by All of Us Research Program, National Institutes of Health); PubMed 22781308 (cited by Mayo Clinic Laboratories, Mayo Clinic); PubMed 25825460 (cited by Mayo Clinic Laboratories, Mayo Clinic and AiLife Diagnostics); PubMed 31386562 (cited by Mayo Clinic Laboratories, Mayo Clinic and AiLife Diagnostics); PubMed 31402444 (cited by Mayo Clinic Laboratories, Mayo Clinic and AiLife Diagnostics); PubMed 33087929 (cited by Mayo Clinic Laboratories, Mayo Clinic and New York Genome Center); PubMed 33232181 (cited by 3 submitters); PubMed 23812740 (cited by Ambry Genetics and Laboratory for Molecular Medicine, Mass General Brigham Personalized Medicine); PubMed 24585727 (cited by 3 submitters); PubMed 29606362 (cited by Ambry Genetics); PubMed 30790397 (cited by Ambry Genetics and AiLife Diagnostics); PubMed 31514951 (cited by Ambry Genetics and AiLife Diagnostics); PubMed 25820315 (cited by Molecular Genetics, Royal Melbourne Hospital); PubMed 28588093 (cited by Molecular Genetics, Royal Melbourne Hospital); PubMed 34191271 (cited by Molecular Genetics, Royal Melbourne Hospital); PubMed 23183494 (cited by Victorian Clinical Genetics Services, Murdoch Childrens Research Institute); PubMed 24967631 (cited by Victorian Clinical Genetics Services, Murdoch Childrens Research Institute); PubMed 21606390 (cited by Laboratory for Molecular Medicine, Mass General Brigham Personalized Medicine); PubMed 32183154 (cited by New York Genome Center and AiLife Diagnostics); PubMed 32600061 (cited by AiLife Diagnostics); PubMed 23810883 (cited by AiLife Diagnostics); PubMed 30847666 (cited by AiLife Diagnostics); PubMed 31447099 (cited by AiLife Diagnostics); PubMed 35655036 (cited by Lifecell International Pvt. Ltd).